The following is an entry in ClinVar:

NM_182760.4(SUMF1):c.416T>G (p.Phe139Cys)

Gene: SUMF1 (sulfatase modifying factor 1; minus strand). Cytogenetic location: 3p26.1.
Variant type: single nucleotide variant.
Coding change: c.416T>G on transcript NM_182760.4 (MANE Select); coding-DNA position 416, T replaced by G.
Protein change: p.Phe139Cys; replaces phenylalanine 139 with cysteine.
Molecular consequence: missense variant.
Genome position (GRCh38, 1-based): chr3:4,452,904, A>C on the plus strand (T>G on the coding strand, the complement: SUMF1 is on the minus strand). VCF-style: chr3-4452904-A-C. GRCh37 (hg19) VCF-style: chr3-4494588-A-C.
Other names: c.416T>G, p.Phe139Cys (NM_001164674.2, NM_001164675.2); short protein forms F139C.
Identifiers: ClinVar variation 1676503 (VCV001676503.3), dbSNP rs746433657, ClinGen allele CA2230623.

ClinVar aggregate classification (germline): Likely pathogenic (1 of 4 stars; one submission).

Conditions:
Multiple sulfatase deficiency (MSD). Also called: Mucosulfatidosis; Multiple Sulfatase Deficiency Disease; Sulfatidosis, Juvenile, Austin Type. Identifiers: Orphanet 585, MedGen C0268263, MONDO:0010088, OMIM 272200.

gnomAD v4.1: 1 of 1,614,178 alleles (0.000062%); highest among the groups gnomAD compares: Non-Finnish European, 0.000085%; no homozygotes.

Submission:

Greenwood Genetic Center Diagnostic Laboratories, Greenwood Genetic Center
Classification: Likely pathogenic for Multiple sulfatase deficiency. Last evaluated: 2022-03-24. Review status: criteria provided, single submitter. Criteria: ACMG Guidelines, 2015. Collection method: clinical testing. Allele origin: germline. Affected: yes.
Comment: PS3_Moderate, PM2, PM3, PP3